The following is an entry in ClinVar:

ClinVar aggregate classification (germline): Pathogenic/Likely pathogenic. Review status: criteria provided, multiple submitters, no conflicts (2 of 4 stars). 5 submissions from 5 submitters: Pathogenic (2); Likely pathogenic (2). 1 of the submissions does not count toward it. Last evaluated 2025-04-23.

Conditions:
Spastic paraplegia. Identifiers: MedGen C0037772, HP:0001258.
Hereditary spastic paraplegia. Also called: Familial spastic paraparesis. Identifiers: Orphanet 685, MedGen C0037773, MONDO:0019064. Disease mechanism: loss of function.
Hereditary spastic paraplegia 31. Also called: SPASTIC PARAPLEGIA 31, AUTOSOMAL DOMINANT. Identifiers: Orphanet 101011, MedGen C1853247, MONDO:0012453, OMIM 610250.

Submissions (5):

Labcorp Genetics (formerly Invitae), Labcorp
Classification: Likely pathogenic for Hereditary spastic paraplegia 31. Last evaluated: 2025-04-23. Review status: criteria provided, single submitter. Criteria: Invitae Variant Classification Sherloc (09022015). Collection method: clinical testing. Allele origin: germline.
Comment: This sequence change affects an acceptor splice site in intron 1 of the REEP1 gene. It is expected to disrupt RNA splicing. Variants that disrupt the donor or acceptor splice site typically lead to a loss of protein function (PMID: 16199547), and loss-of-function variants in REEP1 are known to be pathogenic (PMID: 18321925, 18644145, 32655478). This variant is not present in population databases (gnomAD no frequency). Disruption of this splice site has been observed in individual(s) with hereditary spastic paraplegia (PMID: 30564185, 32581362). This variant is also known as c.54-2A>G. ClinVar contains an entry for this variant (Variation ID: 640374). Algorithms developed to predict the effect of sequence changes on RNA splicing suggest that this variant may disrupt the consensus splice site. In summary, the currently available evidence indicates that the variant is pathogenic, but additional data are needed to prove that conclusively. Therefore, this variant has been classified as Likely Pathogenic.

Athena Diagnostics
Classification: Pathogenic. Last evaluated: 2025-02-06. Review status: criteria provided, single submitter. Criteria: Athena Diagnostics Criteria. Collection method: clinical testing. Allele origin: unknown.
Comment: This variant is expected to severely impact normal RNA splicing, and consequently, protein structure and/or function. This variant has not been reported in large, multi-ethnic general populations. This variant has been identified in at least one individual with clinical features associated with this gene. In some published literature, this variant is referred to as c.54-2A>G.

Victorian Clinical Genetics Services, Murdoch Childrens Research Institute
Classification: Likely pathogenic for Hereditary spastic paraplegia 31. Last evaluated: 2023-07-17. Review status: criteria provided, single submitter. Criteria: ACMG Guidelines, 2015. Collection method: clinical testing. Allele origin: germline. Inheritance: Autosomal dominant inheritance.
Comment: Based on the classification scheme VCGS_Germline_v1.3.4, this variant is classified as Likely pathogenic. Following criteria are met: 0102 - Loss of function is a known mechanism of disease in this gene and is associated with autosomal dominant spastic paraplegia 31 (MIM#610250) and distal neuronopathy hereditary motor, type VB (MIM#614751) (PMID: 29124833, PMID: 22703882). (I) 0107 - This gene is associated with autosomal dominant disease (OMIM). However, recent reports have described two families with autosomal recessive disease, where carrier parents were either healthy, or not fully neurologically assessed (PMID: 27066569). (I) 0211 - Canonical splice site variant without proven consequence on splicing (no functional evidence available). (SP) 0251 - This variant is heterozygous. (I) 0301 - Variant is absent from gnomAD (both v2 and v3). (SP) 0311 - An alternative nucleotide change at the same canonical splice region, is present in gnomAD (v2 & v3) (1 heterozygote, 0 homozygotes). (I) 0505 - Abnormal splicing is predicted by in silico tools and affected nucleotide is highly conserved. (SP) 0705 - No comparable canonical splice variants have previous evidence for pathogenicity. (I) 0803 - This variant has limited previous evidence of pathogenicity in unrelated individuals. This variant has been reported as likely pathogenic by a diagnostic laboratory in ClinVar, and reported in an individual clinically diagnosed with hereditary spastic paraplegia (PMID: 30564185). (SP) 0901 - This variant has strong evidence for segregation with disease. This variant has been observed in multiple affected individuals within this family, and was also absent in two unaffected relatives (LABID). (SP) 1007 - No published functional evidence has been identified for this variant. (I) Legend: (SP) - Supporting pathogenic, (I) - Information, (SB) - Supporting benign

Cambridge Genomics Laboratory, East Genomic Laboratory Hub, NHS Genomic Medicine Service
Classification: Pathogenic for Hereditary spastic paraplegia. Last evaluated: 2020-03-02. Review status: criteria provided, single submitter. Criteria: ACGS Best Practice Guidelines for Variant Classification in Rare Disease 2020. Collection method: clinical testing. Allele origin: germline. Affected: yes. Observed: 1 variant allele.

NIHR Bioresource Rare Diseases, University of Cambridge
Classification: Likely pathogenic for Spastic paraplegia. Review status: no assertion criteria provided. Collection method: research. Allele origin: unknown. Affected: yes. Observed: 1 variant allele. Not counted in ClinVar's aggregate classification.

Literature cited by the submitters: PubMed 16199547 (cited by Labcorp Genetics (formerly Invitae), Labcorp); PubMed 18321925 (cited by Labcorp Genetics (formerly Invitae), Labcorp); PubMed 18644145 (cited by Labcorp Genetics (formerly Invitae), Labcorp); PubMed 32655478 (cited by Labcorp Genetics (formerly Invitae), Labcorp); PubMed 30564185 (cited by 3 submitters); PubMed 32581362 (cited by Labcorp Genetics (formerly Invitae), Labcorp and NIHR Bioresource Rare Diseases, University of Cambridge); PubMed 22703882 (cited by Victorian Clinical Genetics Services, Murdoch Childrens Research Institute); PubMed 29124833 (cited by Victorian Clinical Genetics Services, Murdoch Childrens Research Institute); PubMed 27066569 (cited by Victorian Clinical Genetics Services, Murdoch Childrens Research Institute).

NM_001371279.1(REEP1):c.33-2A>G

Gene: REEP1 (receptor accessory protein 1; minus strand). Cytogenetic location: 2p11.2.
Variant type: single nucleotide variant.
Coding change: c.33-2A>G on transcript NM_001371279.1 (MANE Select); the canonical splice acceptor site of the intron before coding-DNA position 33, A replaced by G.
Molecular consequence: splice acceptor variant. On other transcripts: intron variant (1).
Genome position (GRCh38, 1-based): chr2:86,282,244, T>C on the plus strand (A>G on the coding strand, the complement: REEP1 is on the minus strand). VCF-style: chr2-86282244-T-C. GRCh37 (hg19) VCF-style: chr2-86509367-T-C.
Other names: c.54-2A>G (NM_001164730.2); c.25-18203A>G (NM_001164731.2); c.33-2A>G (NM_001164732.2, NM_001371280.1, NM_022912.3 and 2 more transcripts).
Identifiers: ClinVar variation 640374 (VCV000640374.13), dbSNP rs1574077569, ClinGen allele CA347722807.
Genomic context (GRCh38, chr2:86,282,244, plus strand): 5'-CCTTTGATTTCACAGCCTTGTAGGAATAATACGCAGGGTAAAGGGTGCCAAATATAAGCC[T>C]GGAGGGAAGAGAGACAAAAATAAATACGATTTTTCATTTATCTTATTTAATGGAAAATGT-3'